The following is an entry in ClinVar:

NM_000419.5(ITGA2B):c.3049G>C (p.Ala1017Pro)

Gene: ITGA2B (integrin subunit alpha 2b; minus strand). Cytogenetic location: 17q21.31.
Variant type: single nucleotide variant.
Coding change: c.3049G>C on transcript NM_000419.5 (MANE Select); coding-DNA position 3049, G replaced by C.
Protein change: p.Ala1017Pro; replaces alanine 1017 with proline.
Molecular consequence: missense variant.
Genome position (GRCh38, 1-based): chr17:44,374,365, C>G on the plus strand (G>C on the coding strand, the complement: ITGA2B is on the minus strand). VCF-style: chr17-44374365-C-G. GRCh37 (hg19) VCF-style: chr17-42451733-C-G.
Other names: short protein forms A1017P.
Identifiers: ClinVar variation 3339029 (VCV003339029.1).

ClinVar aggregate classification (germline): Uncertain significance (1 of 4 stars; one submission).

gnomAD v4.1: 8 of 1,613,914 alleles (0.0005%); highest among the groups gnomAD compares: Non-Finnish European, 0.00059%; no homozygotes.

Submission:

Women's Health and Genetics/Laboratory Corporation of America, LabCorp
Classification: Uncertain significance. Last evaluated: 2024-07-09. Review status: criteria provided, single submitter. Criteria: LabCorp Variant Classification Summary - May 2015. Collection method: clinical testing. Allele origin: germline.
Comment: Variant summary: ITGA2B c.3049G>C (p.Ala1017Pro) results in a non-conservative amino acid change in the encoded protein sequence. Three of five in-silico tools predict a damaging effect of the variant on protein function. The variant allele was found at a frequency of 8e-06 in 251368 control chromosomes. The available data on variant occurrences in the general population are insufficient to allow any conclusion about variant significance. To our knowledge, no occurrence of c.3049G>C in individuals affected with ITGA2B-Related Disorders and no experimental evidence demonstrating its impact on protein function have been reported. No submitters have cited clinical-significance assessments for this variant to ClinVar. Based on the evidence outlined above, the variant was classified as uncertain significance.